The following is an entry in ClinVar:

NM_004615.4(TSPAN7):c.474C>G (p.Asn158Lys)

Gene: TSPAN7 (tetraspanin 7; plus strand). Cytogenetic location: Xp11.4.
Variant type: single nucleotide variant.
Coding change: c.474C>G on transcript NM_004615.4 (MANE Select); coding-DNA position 474, C replaced by G.
Protein change: p.Asn158Lys; replaces asparagine 158 with lysine.
Molecular consequence: missense variant.
Genome position (GRCh38, 1-based): chrX:38,675,737, C>G. VCF-style: chrX-38675737-C-G. GRCh37 (hg19) VCF-style: chrX-38534991-C-G.
Other names: short protein forms N158K.
Identifiers: ClinVar variation 4534843 (VCV004534843.6).

ClinVar aggregate classification (germline): Uncertain significance (1 of 4 stars; one submission).

Submission:

CeGaT Center for Human Genetics Tuebingen
Classification: Uncertain significance. Last evaluated: 2026-03-01. Review status: criteria provided, single submitter. Criteria: CeGaT Center For Human Genetics Tuebingen Variant Classification Criteria Version 2. Collection method: clinical testing. Allele origin: germline. Affected: yes. Observed: 2 variant alleles.
Comment: TSPAN7: PM2